The following is an entry in ClinVar:

NM_000444.6(PHEX):c.2058_2061dup (p.Tyr688fs)

Genes: PHEX (phosphate regulating endopeptidase X-linked; plus strand), PTCHD1-AS (PTCHD1 and PHEX antisense RNA; minus strand). Cytogenetic location: Xp22.11.
Variant type: Duplication.
Coding change: c.2058_2061dup on transcript NM_000444.6 (MANE Select); coding-DNA positions 2058 to 2061, 4 bases duplicated (GAGT; older notation c.2058_2061dupGAGT).
Protein change: p.Tyr688fs; shifts the reading frame from tyrosine 688.
Molecular consequence: frameshift variant. On other transcripts: non-coding transcript variant (1).
Genome position (GRCh38, 1-based): chrX:22,227,599-22,227,602, GAGT duplicated; duplicating any 4 consecutive bases within chrX:22,227,598-22,227,602 gives the same sequence; the c. name uses the placement nearest the transcript's 3' end. VCF-style (leftmost placement, unchanged base first): chrX-22227597-C-CTGAG. GRCh37 (hg19) VCF-style: chrX-22245714-C-CTGAG.
Other names: c.2058_2061dup, p.Tyr688fs (NM_001282754.2); short protein forms Y688fs.
Identifiers: ClinVar variation 1075337 (VCV001075337.11), dbSNP rs2147184823, ClinGen allele CA2499226590.

ClinVar aggregate classification (germline): Pathogenic. Review status: criteria provided, multiple submitters, no conflicts (2 of 4 stars). 2 submissions from 2 submitters: Pathogenic (2). Last evaluated 2025-08-21.

Conditions:
Familial X-linked hypophosphatemic vitamin D refractory rickets (XLHRD). Also called: HYPOPHOSPHATEMIC VITAMIN D-RESISTANT RICKETS; X-Linked Hypophosphatemia; Hypophosphatemia, vitamin D-resistant rickets; Vitamin D-resistant rickets, X-linked; Hypophosphatemic Rickets, X-Linked Dominant. Identifiers: Orphanet 89936, MedGen C0733682, MONDO:0010619, OMIM 307800.

Submissions (2):

Labcorp Genetics (formerly Invitae), Labcorp
Classification: Pathogenic. Last evaluated: 2025-08-21. Review status: criteria provided, single submitter. Criteria: Invitae Variant Classification Sherloc (09022015). Collection method: clinical testing. Allele origin: germline.
Comment: This sequence change creates a premature translational stop signal (p.Tyr688Glufs*30) in the PHEX gene. While this is not anticipated to result in nonsense mediated decay, it is expected to disrupt the last 62 amino acid(s) of the PHEX protein. This variant is not present in population databases (gnomAD no frequency). This premature translational stop signal has been observed in individual(s) with clinical features of PHEX-related conditions (internal data). ClinVar contains an entry for this variant (Variation ID: 1075337). Algorithms developed to predict the effect of sequence changes on RNA splicing suggest that this variant may disrupt the consensus splice site. This variant disrupts a region of the PHEX protein in which other variant(s) (p.Arg747*) have been determined to be pathogenic (PMID: 9199930, 9768674). This suggests that this is a clinically significant region of the protein, and that variants that disrupt it are likely to be disease-causing. For these reasons, this variant has been classified as Pathogenic.

Clinical Biomedical Laboratory, Shriners Hospital For Children - Canada
Classification: Pathogenic for Familial X-linked hypophosphatemic vitamin D refractory rickets. Last evaluated: 2024-12-30. Review status: criteria provided, single submitter. Criteria: ACMG Guidelines, 2015. Collection method: clinical testing. Allele origin: unknown. Inheritance: X-linked dominant inheritance. Affected: yes. Observed: 1 hemizygote.
Comment: This variant is predicted to substitute a tyrosine residue by a premature stop codon. This is expected to lead to degradation of the affected transcript and lead to loss of function of the affected allele. Heterozygous or hemizygous loss-of-function variants in PHEX are an established cause of X-linked hypophosphatemic rickets (PMID 34806794). This variant has not been observed in a large study on apparently healthy adults (Genome Aggregation Database, v2.1.1.).

Literature cited by the submitters: PubMed 9199930 (cited by Labcorp Genetics (formerly Invitae), Labcorp); PubMed 9768674 (cited by Labcorp Genetics (formerly Invitae), Labcorp); PubMed 34806794 (cited by Clinical Biomedical Laboratory, Shriners Hospital For Children - Canada).